The following is an entry in ClinVar:

NM_024408.4(NOTCH2):c.7340G>C (p.Gly2447Ala)

Gene: NOTCH2 (notch receptor 2; minus strand). Cytogenetic location: 1p12.
Variant type: single nucleotide variant.
Coding change: c.7340G>C on transcript NM_024408.4 (MANE Select); coding-DNA position 7340, G replaced by C.
Protein change: p.Gly2447Ala; replaces glycine 2447 with alanine.
Molecular consequence: missense variant.
Genome position (GRCh38, 1-based): chr1:119,915,382, C>G on the plus strand (G>C on the coding strand, the complement: NOTCH2 is on the minus strand). VCF-style: chr1-119915382-C-G. GRCh37 (hg19) VCF-style: chr1-120458005-C-G.
Other names: c.7340G>C (NM_024408.3); short protein forms G2447A.
Identifiers: ClinVar variation 3686587 (VCV003686587.3).
Genomic context (GRCh38, chr1:119,915,382, plus strand): 5'-ATGTTGTTGTGTGGTGGCTCAGACATGTGTGTCCCAGGTCCCCGCTGACCTCCTCCAGCA[C>G]CCCCAGGGGTAGGGCTGGTGGTCACATCTGACCAGTCAGAAGCAGAGTGGGGTGATGAAC-3'
Protein context (NP_077719.2, residues 2437-2457): SDVTTSPTPG[Gly2447Ala]AGGGQRGPGT

ClinVar aggregate classification (germline): Uncertain significance. Review status: criteria provided, multiple submitters, no conflicts (2 of 4 stars). 2 submissions from 2 submitters: Uncertain significance (2). Last evaluated 2026-01-26.

Conditions:
Inborn genetic diseases. Identifiers: MedGen C0950123, MeSH D030342.
Hajdu-Cheney syndrome (HJCYS). Also called: Acroosteolysis dominant type; SERPENTINE FIBULA-POLYCYSTIC KIDNEY SYNDROME; ACROOSTEOLYSIS WITH OSTEOPOROSIS AND CHANGES IN SKULL AND MANDIBLE. Identifiers: Orphanet 955, MedGen C0917715, MONDO:0007057, OMIM 102500.

Submissions (2):

Labcorp Genetics (formerly Invitae), Labcorp
Classification: Uncertain significance for Hajdu-Cheney syndrome. Last evaluated: 2026-01-26. Review status: criteria provided, single submitter. Criteria: Invitae Variant Classification Sherloc (09022015). Collection method: clinical testing. Allele origin: germline.
Comment: This sequence change replaces glycine, which is neutral and non-polar, with alanine, which is neutral and non-polar, at codon 2447 of the NOTCH2 protein (p.Gly2447Ala). This variant is present in population databases (no rsID available, gnomAD 0.007%). This variant has not been reported in the literature in individuals affected with NOTCH2-related conditions. ClinVar contains an entry for this variant (Variation ID: 3686587). Invitae Evidence Modeling of protein sequence and biophysical properties (such as structural, functional, and spatial information, amino acid conservation, physicochemical variation, residue mobility, and thermodynamic stability) indicates that this missense variant is not expected to disrupt NOTCH2 protein function with a negative predictive value of 95%. In summary, the available evidence is currently insufficient to determine the role of this variant in disease. Therefore, it has been classified as a Variant of Uncertain Significance.

Ambry Genetics
Classification: Uncertain significance for Inborn genetic diseases. Last evaluated: 2025-06-07. Review status: criteria provided, single submitter. Criteria: Ambry Variant Classification Scheme 2023. Collection method: clinical testing. Allele origin: germline.